The following is an entry in ClinVar:

ClinVar aggregate classification (germline): Uncertain significance (1 of 4 stars; one submission).

Conditions:
Bardet-Biedl syndrome (BBS). Identifiers: Orphanet 110, MedGen C0752166, MONDO:0015229.

Submission:

3billion
Classification: Uncertain significance for Bardet-Biedl syndrome. Last evaluated: 2024-07-17. Review status: criteria provided, single submitter. Criteria: ACMG Guidelines, 2015. Collection method: clinical testing. Allele origin: germline. Affected: yes.
Comment: The variant is not observed in the gnomAD v4.0.0 dataset. Predicted Consequence/Location: Missense variant In silico tool predictions suggest damaging effect of the variant on gene or gene product [REVEL: 0.64 (>=0.6, sensitivity 0.68 and specificity 0.92); 3Cnet: 0.88 (>=0.6, sensitivity 0.72 and precision 0.9)]. A different missense change at the same codon (p.Leu170Trp) has been reported to be associated with ARL6 related disorder (ClinVar ID: VCV000002043 /PMID: 15314642). However the evidence of pathogenicity is insufficient at this time. Therefore, this variant is classified as VUS according to the recommendation of ACMG/AMP guideline.

Literature cited by the submitters: PubMed 15314642.

NM_001278293.3(ARL6):c.508T>G (p.Leu170Val)

Gene: ARL6 (ARF like GTPase 6; plus strand). Cytogenetic location: 3q11.2.
Variant type: single nucleotide variant.
Coding change: c.508T>G on transcript NM_001278293.3 (MANE Select); coding-DNA position 508, T replaced by G.
Protein change: p.Leu170Val; replaces leucine 170 with valine.
Molecular consequence: missense variant. On other transcripts: non-coding transcript variant (6), intron variant (1).
Genome position (GRCh38, 1-based): chr3:97,791,799, T>G. VCF-style: chr3-97791799-T-G. GRCh37 (hg19) VCF-style: chr3-97510643-T-G.
Other names: c.508T>G, p.Leu170Val (NM_001323513.2, NM_032146.5, NM_177976.3); c.479+3680T>G (NM_001323514.2); short protein forms L170V.
Identifiers: ClinVar variation 4072268 (VCV004072268.1).